The following is an entry in ClinVar:

NM_000051.4(ATM):c.1314A>C (p.Ile438=)

Gene: ATM (ATM serine/threonine kinase; plus strand). Cytogenetic location: 11q22.3.
Variant type: single nucleotide variant.
Coding change: c.1314A>C on transcript NM_000051.4 (MANE Select); coding-DNA position 1314, A replaced by C.
Protein change: p.Ile438=; no amino-acid change (isoleucine 438 retained).
Molecular consequence: synonymous variant.
Genome position (GRCh38, 1-based): chr11:108,250,779, A>C. VCF-style: chr11-108250779-A-C. GRCh37 (hg19) VCF-style: chr11-108121506-A-C.
Other names: c.1314A>C, p.Ile438= (NM_001351834.2).
Identifiers: ClinVar variation 481277 (VCV000481277.24), dbSNP rs770573462, ClinGen allele CA476671910.

ClinVar aggregate classification (germline): Benign/Likely benign. Review status: criteria provided, multiple submitters, no conflicts (2 of 4 stars). 5 submissions from 5 submitters: Benign (1); Likely benign (4). Last evaluated 2025-05-27.

Conditions:
Hereditary cancer-predisposing syndrome. Also called: Hereditary neoplastic syndrome; Neoplastic Syndromes, Hereditary; Tumor predisposition; Hereditary Cancer Syndrome. Identifiers: Orphanet 140162, MedGen C0027672, MeSH D009386, MONDO:0015356.
Familial cancer of breast. Also called: BREAST CANCER, FAMILIAL; Hereditary breast cancer; hereditary breast carcinoma. Identifiers: Orphanet 227535, MedGen C0346153, MONDO:0016419, OMIM 114480. Disease mechanism: loss of function.
Ataxia-telangiectasia syndrome (AT). Also called: LOUIS-BAR SYNDROME; Cerebello-oculocutaneous telangiectasia; Immunodeficiency with ataxia telangiectasia; AT, COMPLEMENTATION GROUP C; Ataxia-telangiectasia, complementation group D; ATAXIA-TELANGIECTASIA, COMPLEMENTATION GROUP A. Identifiers: Orphanet 100, MedGen C0004135, MONDO:0008840, OMIM 208900.

gnomAD v4.1: 1 of 1,613,392 alleles (0.000062%); highest among the groups gnomAD compares: Middle Eastern, 0.017%; no homozygotes.

Submissions (5):

Labcorp Genetics (formerly Invitae), Labcorp
Classification: Likely benign for Ataxia-telangiectasia syndrome. Last evaluated: 2025-05-27. Review status: criteria provided, single submitter. Criteria: Invitae Variant Classification Sherloc (09022015). Collection method: clinical testing. Allele origin: germline.

Myriad Genetics, Inc.
Classification: Benign for Familial cancer of breast. Last evaluated: 2024-04-26. Review status: criteria provided, single submitter. Criteria: Myriad Autosomal Dominant, Autosomal Recessive and X-Linked Classification Criteria (2023). Collection method: clinical testing. Allele origin: unknown.
Comment: This variant is considered benign. This variant is a silent/synonymous amino acid change and it is not expected to impact splicing.

GeneDx
Classification: Likely benign. Last evaluated: 2019-09-25. Review status: criteria provided, single submitter. Criteria: GeneDx Variant Classification Process June 2021. Collection method: clinical testing. Allele origin: germline. Affected: yes.

ARUP Laboratories, Molecular Genetics and Genomics, ARUP Laboratories
Classification: Likely benign. Last evaluated: 2017-10-26. Review status: criteria provided, single submitter. Criteria: ARUP Molecular Germline Variant Investigation Process. Collection method: clinical testing. Allele origin: germline.
Comment: The c.1314A>C variant does not alter the amino acid sequence of the ATM protein and computational splice site prediction algorithms do not predict a change in the nearest splice site or creation of a cryptic splice site.It is absent from general population databases such as 1000 Genomes, NHLBI GO Exome Sequencing Project (ESP), and the genome Aggregation Database (gnomAD) browser. The c.1314A>C variant has not been reported in association with disease in medical literature or in gene specific variation databases. Based on these observations, the c.1314A>C variant is likely to be benign.

Ambry Genetics
Classification: Likely benign for Hereditary cancer-predisposing syndrome. Last evaluated: 2016-08-15. Review status: criteria provided, single submitter. Criteria: Ambry Variant Classification Scheme 2023. Collection method: clinical testing. Allele origin: germline.